The following is an entry in ClinVar:

NM_000453.3(SLC5A5):c.1590T>G (p.Tyr530Ter)

Gene: SLC5A5 (solute carrier family 5 member 5; plus strand). Cytogenetic location: 19p13.11.
Variant type: single nucleotide variant.
Coding change: c.1590T>G on transcript NM_000453.3 (MANE Select); coding-DNA position 1590, T replaced by G.
Protein change: p.Tyr530Ter; replaces tyrosine 530 with a stop codon.
Molecular consequence: nonsense.
Genome position (GRCh38, 1-based): chr19:17,888,394, T>G. VCF-style: chr19-17888394-T-G. GRCh37 (hg19) VCF-style: chr19-17999203-T-G.
Other names: short protein forms Y530*.
Identifiers: ClinVar variation 2694996 (VCV002694996.3), dbSNP rs2514646705, ClinGen allele CA404769648.

ClinVar aggregate classification (germline): Pathogenic (1 of 4 stars; one submission).

Submission:

Labcorp Genetics (formerly Invitae), Labcorp
Classification: Pathogenic. Last evaluated: 2023-11-10. Review status: criteria provided, single submitter. Criteria: Invitae Variant Classification Sherloc (09022015). Collection method: clinical testing. Allele origin: germline.
Comment: This sequence change creates a premature translational stop signal (p.Tyr530*) in the SLC5A5 gene. It is expected to result in an absent or disrupted protein product. Loss-of-function variants in SLC5A5 are known to be pathogenic (PMID: 9388506, 9486973). This variant is not present in population databases (gnomAD no frequency). This variant has not been reported in the literature in individuals affected with SLC5A5-related conditions. For these reasons, this variant has been classified as Pathogenic.

Literature cited by the submitters: PubMed 9388506; PubMed 9486973.